The following is an entry in ClinVar:

NM_152743.4(BRAT1):c.844A>T (p.Thr282Ser)

Gene: BRAT1 (BRCA1 associated ATM activator 1; minus strand). Cytogenetic location: 7p22.3.
Variant type: single nucleotide variant.
Coding change: c.844A>T on transcript NM_152743.4 (MANE Select); coding-DNA position 844, A replaced by T.
Protein change: p.Thr282Ser; replaces threonine 282 with serine.
Molecular consequence: missense variant. On other transcripts: non-coding transcript variant (1).
Genome position (GRCh38, 1-based): chr7:2,543,283, T>A on the plus strand (A>T on the coding strand, the complement: BRAT1 is on the minus strand). VCF-style: chr7-2543283-T-A. GRCh37 (hg19) VCF-style: chr7-2582917-T-A.
Other names: c.844A>T, p.Thr282Ser (NM_001350626.2); c.319A>T, p.Thr107Ser (NM_001350627.2); short protein forms T282S, T107S.
Identifiers: ClinVar variation 1352474 (VCV001352474.21), dbSNP rs575570226, ClinGen allele CA4128036.
Genomic context (GRCh38, chr7:2,543,283, plus strand): 5'-TCCCCAAAGCCAGGGGTCCCATGTGGGTGGGACCCAGGCAGCTCAGAGCCCGCGCCACTG[T>A]CTCCCACAGGCTGCCGTCGGAAGAACTGAACACGGGAGAACTGCAGGGAGACCCCAGAGA-3'
Protein context (NP_689956.2, residues 272-292): FSSSDGSLWE[Thr282Ser]VARALSCLGP

ClinVar aggregate classification (germline): Uncertain significance. Review status: criteria provided, multiple submitters, no conflicts (2 of 4 stars). 3 submissions from 3 submitters: Uncertain significance (3). Last evaluated 2024-12-01.

Conditions:
Neonatal-onset encephalopathy with rigidity and seizures. Also called: Lethal neonatal spasticity-epileptic encephalopathy syndrome. Identifiers: Orphanet 435845, MedGen C3281029, MONDO:0013784, OMIM 614498.

Allele frequency attached by ClinVar (database versions not stated): gnomAD exomes below 0.00001 and 0.00002; gnomAD 0.00001; TOPMed 0.00001; ExAC 0.00004; 1000 Genomes Project 30x 0.00031; 1000 Genomes Project 0.00040.
gnomAD v4.1: 7 of 1,609,730 alleles (0.00043%); highest among the groups gnomAD compares: South Asian, 0.0066%; no homozygotes.

Submissions (3):

CeGaT Center for Human Genetics Tuebingen
Classification: Uncertain significance. Last evaluated: 2024-12-01. Review status: criteria provided, single submitter. Criteria: CeGaT Center For Human Genetics Tuebingen Variant Classification Criteria Version 2. Collection method: clinical testing. Allele origin: germline. Affected: yes. Observed: 1 variant allele.
Comment: BRAT1: PM2, BP4

Labcorp Genetics (formerly Invitae), Labcorp
Classification: Uncertain significance for Neonatal-onset encephalopathy with rigidity and seizures. Last evaluated: 2023-07-17. Review status: criteria provided, single submitter. Criteria: Invitae Variant Classification Sherloc (09022015). Collection method: clinical testing. Allele origin: germline.
Comment: This variant has not been reported in the literature in individuals affected with BRAT1-related conditions. This sequence change replaces threonine, which is neutral and polar, with serine, which is neutral and polar, at codon 282 of the BRAT1 protein (p.Thr282Ser). This variant is present in population databases (rs575570226, gnomAD 0.02%). ClinVar contains an entry for this variant (Variation ID: 1352474). Advanced modeling of protein sequence and biophysical properties (such as structural, functional, and spatial information, amino acid conservation, physicochemical variation, residue mobility, and thermodynamic stability) performed at Invitae indicates that this missense variant is not expected to disrupt BRAT1 protein function. In summary, the available evidence is currently insufficient to determine the role of this variant in disease. Therefore, it has been classified as a Variant of Uncertain Significance.

Revvity Omics, Revvity
Classification: Uncertain significance. Last evaluated: 2023-03-30. Review status: criteria provided, single submitter. Criteria: ACMG Guidelines, 2015. Collection method: clinical testing. Allele origin: germline.